The following is an entry in ClinVar:

ClinVar aggregate classification (germline): Uncertain significance (1 of 4 stars; one submission).

Allele frequency attached by ClinVar (database versions not stated): gnomAD exomes 0.00001; TOPMed 0.00002; gnomAD 0.00005.

Submission:

Labcorp Genetics (formerly Invitae), Labcorp
Classification: Uncertain significance. Last evaluated: 2022-08-24. Review status: criteria provided, single submitter. Criteria: Invitae Variant Classification Sherloc (09022015). Collection method: clinical testing. Allele origin: germline.
Comment: This sequence change replaces arginine, which is basic and polar, with histidine, which is basic and polar, at codon 1476 of the CACNA1F protein (p.Arg1476His). This variant is not present in population databases (gnomAD no frequency). This variant has not been reported in the literature in individuals affected with CACNA1F-related conditions. Algorithms developed to predict the effect of missense changes on protein structure and function output the following: SIFT: "Deleterious"; PolyPhen-2: "Possibly Damaging"; Align-GVGD: "Class C25". The histidine amino acid residue is found in multiple mammalian species, which suggests that this missense change does not adversely affect protein function. In summary, the available evidence is currently insufficient to determine the role of this variant in disease. Therefore, it has been classified as a Variant of Uncertain Significance.

NM_001256789.3(CACNA1F):c.4394G>A (p.Arg1465His)

Gene: CACNA1F (calcium voltage-gated channel subunit alpha1 F; minus strand). Cytogenetic location: Xp11.23.
Variant type: single nucleotide variant.
Coding change: c.4394G>A on transcript NM_001256789.3 (MANE Select); coding-DNA position 4394, G replaced by A.
Protein change: p.Arg1465His; replaces arginine 1465 with histidine.
Molecular consequence: missense variant.
Genome position (GRCh38, 1-based): chrX:49,210,681, C>T on the plus strand (G>A on the coding strand, the complement: CACNA1F is on the minus strand). VCF-style: chrX-49210681-C-T. GRCh37 (hg19) VCF-style: chrX-49067141-C-T.
Other names: c.4232G>A, p.Arg1411His (NM_001256790.3); c.4427G>A, p.Arg1476His (NM_005183.4); short protein forms R1476H, R1411H, R1465H.
Identifiers: ClinVar variation 1924923 (VCV001924923.5), dbSNP rs868968074, ClinGen allele CA329137243.